The following is an entry in ClinVar:

NM_006279.5(ST3GAL3):c.1097G>A (p.Arg366His)

Gene: ST3GAL3 (ST3 beta-galactoside alpha-2,3-sialyltransferase 3; plus strand). Cytogenetic location: 1p34.1.
Variant type: single nucleotide variant.
Coding change: c.1097G>A on transcript NM_006279.5 (MANE Select); coding-DNA position 1097, G replaced by A.
Protein change: p.Arg366His; replaces arginine 366 with histidine.
Molecular consequence: missense variant. On other transcripts: 3 prime UTR variant (4), synonymous variant (6), non-coding transcript variant (8).
Genome position (GRCh38, 1-based): chr1:43,930,190, G>A. VCF-style: chr1-43930190-G-A. GRCh37 (hg19) VCF-style: chr1-44395862-G-A.
Other names: c.1007G>A, p.Arg336His (NM_001270459.2); c.1004G>A, p.Arg335His (NM_001270460.2); c.755G>A, p.Arg252His (NM_001270461.3); c.662G>A, p.Arg221His (NM_001270462.3); c.*7G>A (NM_001270463.3, NM_001270464.3, NM_001270466.3); c.*81G>A (NM_001270465.3); c.1338G>A, p.Ser446= (NM_001350619.2); c.1293G>A, p.Ser431= (NM_001350620.2); and 12 more; short protein forms R435H, R221H, R268H, R322H, R350H, R381H, R252H, R336H.
Identifiers: ClinVar variation 212316 (VCV000212316.11), dbSNP rs572958701, ClinGen allele CA207409.

ClinVar aggregate classification (germline): Uncertain significance. Review status: criteria provided, multiple submitters, no conflicts (2 of 4 stars). 3 submissions from 3 submitters: Uncertain significance (3). Last evaluated 2023-04-05.

Conditions:
Inborn genetic diseases. Identifiers: MedGen C0950123, MeSH D030342.
Developmental and epileptic encephalopathy. Identifiers: MedGen C5779964, MONDO:0100620.

Allele frequency attached by ClinVar (database versions not stated): ExAC 0.00001; gnomAD 0.00001; gnomAD exomes 0.00002; 1000 Genomes Project 30x 0.00016; 1000 Genomes Project 0.00020.
gnomAD v4.1: 46 of 1,614,002 alleles (0.0029%); highest among the groups gnomAD compares: Middle Eastern, 0.034%; 1 homozygote.

Submissions (3):

Ambry Genetics
Classification: Uncertain significance for Inborn genetic diseases. Last evaluated: 2023-04-05. Review status: criteria provided, single submitter. Criteria: Ambry Variant Classification Scheme 2023. Collection method: clinical testing. Allele origin: germline.

Labcorp Genetics (formerly Invitae), Labcorp
Classification: Uncertain significance for Early-infantile DEE. Last evaluated: 2022-11-02. Review status: criteria provided, single submitter. Criteria: Invitae Variant Classification Sherloc (09022015). Collection method: clinical testing. Allele origin: germline.
Comment: This sequence change replaces arginine, which is basic and polar, with histidine, which is basic and polar, at codon 366 of the ST3GAL3 protein (p.Arg366His). This variant is present in population databases (rs572958701, gnomAD 0.01%). This variant has not been reported in the literature in individuals affected with ST3GAL3-related conditions. ClinVar contains an entry for this variant (Variation ID: 212316). Advanced modeling of protein sequence and biophysical properties (such as structural, functional, and spatial information, amino acid conservation, physicochemical variation, residue mobility, and thermodynamic stability) performed at Invitae indicates that this missense variant is not expected to disrupt ST3GAL3 protein function. In summary, the available evidence is currently insufficient to determine the role of this variant in disease. Therefore, it has been classified as a Variant of Uncertain Significance.

Genetic Services Laboratory, University of Chicago
Classification: Uncertain significance. Last evaluated: 2015-02-10. Review status: criteria provided, single submitter. Criteria: ACMG Guidelines, 2015. Collection method: clinical testing. Allele origin: germline.